The following is an entry in ClinVar:

NM_003072.5(SMARCA4):c.4521C>G (p.Phe1507Leu)

Gene: SMARCA4 (SWI/SNF related BAF chromatin remodeling complex subunit ATPase 4; plus strand). Cytogenetic location: 19p13.2.
Variant type: single nucleotide variant.
Coding change: c.4521C>G on transcript NM_003072.5 (MANE Select); coding-DNA position 4521, C replaced by G.
Protein change: p.Phe1507Leu; replaces phenylalanine 1507 with leucine.
Molecular consequence: missense variant. On other transcripts: non-coding transcript variant (1).
Genome position (GRCh38, 1-based): chr19:11,058,351, C>G. VCF-style: chr19-11058351-C-G. GRCh37 (hg19) VCF-style: chr19-11169027-C-G.
Other names: c.4521C>G, p.Phe1507Leu (NM_001128844.3); c.4431C>G, p.Phe1477Leu (NM_001128845.2); c.4428C>G, p.Phe1476Leu (NM_001128846.2); c.4422C>G, p.Phe1474Leu (NM_001128847.4, NM_001374457.1); c.4419C>G, p.Phe1473Leu (NM_001128848.2); c.4617C>G, p.Phe1539Leu (NM_001128849.3, NM_001387283.1); short protein forms F1474L, F1539L, F1507L, F1476L, F1473L, F1477L.
Identifiers: ClinVar variation 1487619 (VCV001487619.6), dbSNP rs2147088411, ClinGen allele CA404077947.

ClinVar aggregate classification (germline): Uncertain significance (1 of 4 stars; one submission).

Conditions:
Rhabdoid tumor predisposition syndrome 2 (RTPS2). Identifiers: Orphanet 231108, Orphanet 69077, MedGen C2750074, MONDO:0013224, OMIM 613325.

Submission:

Labcorp Genetics (formerly Invitae), Labcorp
Classification: Uncertain significance for Rhabdoid tumor predisposition syndrome 2. Last evaluated: 2021-10-16. Review status: criteria provided, single submitter. Criteria: Invitae Variant Classification Sherloc (09022015). Collection method: clinical testing. Allele origin: germline.
Comment: Algorithms developed to predict the effect of missense changes on protein structure and function are either unavailable or do not agree on the potential impact of this missense change (SIFT: "Deleterious"; PolyPhen-2: "Benign"; Align-GVGD: "Class C15"). In summary, the available evidence is currently insufficient to determine the role of this variant in disease. Therefore, it has been classified as a Variant of Uncertain Significance. This sequence change replaces phenylalanine with leucine at codon 1539 of the SMARCA4 protein (p.Phe1539Leu). The phenylalanine residue is highly conserved and there is a small physicochemical difference between phenylalanine and leucine. This variant is not present in population databases (ExAC no frequency). This variant has not been reported in the literature in individuals affected with SMARCA4-related conditions.